The following is an entry in ClinVar:

NM_000257.4(MYH7):c.153C>T (p.Ile51=)

Gene: MYH7 (myosin heavy chain 7; minus strand). Cytogenetic location: 14q11.2.
Variant type: single nucleotide variant.
Coding change: c.153C>T on transcript NM_000257.4 (MANE Select); coding-DNA position 153, C replaced by T.
Protein change: p.Ile51=; no amino-acid change (isoleucine 51 retained).
Molecular consequence: synonymous variant.
Genome position (GRCh38, 1-based): chr14:23,433,580, G>A on the plus strand (C>T on the coding strand, the complement: MYH7 is on the minus strand). VCF-style: chr14-23433580-G-A. GRCh37 (hg19) VCF-style: chr14-23902789-G-A.
Other names: p.I51I:ATC>ATT; c.153C>T (LRG_384t1).
Identifiers: ClinVar variation 181166 (VCV000181166.30), dbSNP rs373145667, ClinGen allele CA010913.

ClinVar aggregate classification (germline): Benign/Likely benign. Review status: criteria provided, multiple submitters, no conflicts (2 of 4 stars). 9 submissions from 9 submitters: Benign (1); Likely benign (6). 2 of the submissions do not count toward it. Last evaluated 2026-08-06.

Conditions:
MYH7-related disorder. Also called: MYH7-related condition; MYH7-related disease; MYH7-related disorders.
Cardiovascular phenotype. Identifiers: MedGen CN230736.
Cardiomyopathy (CMYO). Also called: Cardiomyopathies. Identifiers: Orphanet 167848, MedGen C0878544, MONDO:0004994, HP:0001638. Inheritance: Various modes of inheritance.
Hypertrophic cardiomyopathy. Also called: HYPERTROPHIC MYOCARDIOPATHY. Identifiers: Orphanet 217569, MedGen C0007194, MeSH D002312, MONDO:0005045, HP:0001639.

Allele frequency attached by ClinVar (database versions not stated): gnomAD exomes 0.00003; gnomAD 0.00005; TOPMed 0.00008; 1000 Genomes Project 30x 0.00016; 1000 Genomes Project 0.00020; ESP Exome Variant Server 0.00023; ExAC 0.00003.
gnomAD v4.1: 46 of 1,614,204 alleles (0.0028%); highest among the groups gnomAD compares: African/African-American, 0.031%; no homozygotes.

Submissions (9):

PreventionGenetics, part of Exact Sciences
Classification: Likely benign for MYH7-related condition. Last evaluated: 2026-08-06. Review status: criteria provided, single submitter. Criteria: ACMG Guidelines, 2015. Collection method: clinical testing. Allele origin: germline.
Comment: This variant is classified as likely benign based on ACMG/AMP sequence variant interpretation guidelines (Richards et al. 2015 PMID: 25741868, with internal and published modifications).

CeGaT Center for Human Genetics Tuebingen
Classification: Likely benign. Last evaluated: 2026-06-01. Review status: criteria provided, single submitter. Criteria: CeGaT Center For Human Genetics Tuebingen Variant Classification Criteria Version 2. Collection method: clinical testing. Allele origin: germline. Affected: yes. Observed: 1 variant allele.
Comment: MYH7: BP4, BP7

Labcorp Genetics (formerly Invitae), Labcorp
Classification: Likely benign for Hypertrophic cardiomyopathy. Last evaluated: 2026-01-13. Review status: criteria provided, single submitter. Criteria: Invitae Variant Classification Sherloc (09022015). Collection method: clinical testing. Allele origin: germline.

All of Us Research Program, National Institutes of Health
Classification: Likely benign for Cardiomyopathy. Last evaluated: 2024-07-29. Review status: criteria provided, single submitter. Criteria: ACMG Guidelines, 2015. Collection method: clinical testing. Allele origin: germline. Inheritance: Autosomal dominant inheritance. Observed: 11 variant alleles, 11 heterozygotes.
Comment: This study involves interpretation of variants in research participants for the purpose of population health screening. Participant phenotype was not available at the time of variant classification. Additional details can be found in publication PMID: 35346344, PMCID: PMC8962531

Color Diagnostics, LLC DBA Color Health
Classification: Likely benign for Cardiomyopathy. Last evaluated: 2018-11-27. Review status: criteria provided, single submitter. Criteria: ACMG Guidelines, 2015. Collection method: clinical testing. Allele origin: germline.

Ambry Genetics
Classification: Likely benign for Cardiovascular phenotype. Last evaluated: 2017-07-19. Review status: criteria provided, single submitter. Criteria: Ambry Variant Classification Scheme 2023. Collection method: clinical testing. Allele origin: germline.

GeneDx
Classification: Benign. Last evaluated: 2014-10-17. Review status: criteria provided, single submitter. Criteria: GeneDx Variant Classification (06012015). Collection method: clinical testing. Allele origin: germline. Affected: yes.
Comment: This variant is considered likely benign or benign based on one or more of the following criteria: it is a conservative change, it occurs at a poorly conserved position in the protein, it is predicted to be benign by multiple in silico algorithms, and/or has population frequency not consistent with disease.

Clinical Genetics DNA and cytogenetics Diagnostics Lab, Erasmus MC, Erasmus Medical Center
Classification: Likely benign. Review status: no assertion criteria provided. Collection method: clinical testing. Allele origin: germline. Affected: yes. Study: VKGL Data-share Consensus. Not counted in ClinVar's aggregate classification.

Joint Genome Diagnostic Labs from Nijmegen and Maastricht, Radboudumc and MUMC+
Classification: Likely benign. Review status: no assertion criteria provided. Collection method: clinical testing. Allele origin: germline. Affected: yes. Study: VKGL Data-share Consensus. Not counted in ClinVar's aggregate classification.